The following is an entry in ClinVar:

NM_004738.5(VAPB):c.*6619G>A

Gene: VAPB (VAMP associated protein B and C; plus strand). Cytogenetic location: 20q13.32.
Variant type: single nucleotide variant.
Coding change: c.*6619G>A on transcript NM_004738.5 (MANE Select); 6619 bases downstream of the stop codon, G replaced by A.
Molecular consequence: 3 prime UTR variant. On other transcripts: non-coding transcript variant (1).
Genome position (GRCh38, 1-based): chr20:58,450,854, G>A. VCF-style: chr20-58450854-G-A. GRCh37 (hg19) VCF-style: chr20-57025910-G-A.
Other names: c.*6689G>A (NM_001195677.2).
Identifiers: ClinVar variation 339025 (VCV000339025.6), dbSNP rs79091887, ClinGen allele CA9924689.

ClinVar aggregate classification (germline): Benign. Review status: criteria provided, single submitter (1 of 4 stars). 2 submissions from 1 submitter: Benign (2). Last evaluated 2018-01-12.

Conditions:
Amyotrophic lateral sclerosis type 8 (ALS8). Identifiers: Orphanet 803, MedGen C1837728, MONDO:0012077, OMIM 608627.
Adult-onset proximal spinal muscular atrophy, autosomal dominant. Also called: FINKEL LATE-ADULT TYPE SMA; Spinal muscular atrophy, late-onset, finkel type. Identifiers: Orphanet 209335, MedGen C1854058, MONDO:0008453, OMIM 182980.

Allele frequency attached by ClinVar (database versions not stated): gnomAD exomes 0.00059 and 0.00109; ExAC 0.00074; 1000 Genomes Project 30x 0.00359; 1000 Genomes Project 0.00379; gnomAD 0.00480 and 0.00520; TOPMed 0.00511.
gnomAD v4.1: 901 of 454,126 alleles (0.2%); highest among the groups gnomAD compares: African/African-American, 1.6%; 9 homozygotes.

Submissions (2):

Illumina Laboratory Services, Illumina
Classification: Benign for Adult-onset proximal spinal muscular atrophy, autosomal dominant. Last evaluated: 2018-01-12. Review status: criteria provided, single submitter. Criteria: ICSL Variant Classification Criteria 13 December 2019. Collection method: clinical testing. Allele origin: germline.
Comment: This variant was observed in the ICSL laboratory as part of a predisposition screen in an ostensibly healthy population. It had not been previously curated by ICSL or reported in the Human Gene Mutation Database (HGMD: prior to June 1st, 2018), and was therefore a candidate for classification through an automated scoring system. Utilizing variant allele frequency, disease prevalence and penetrance estimates, and inheritance mode, an automated score was calculated to assess if this variant is too frequent to cause the disease. Based on the score and internal cut-off values, a variant classified as benign is not then subjected to further curation. The score for this variant resulted in a classification of benign for this disease.

Illumina Laboratory Services, Illumina
Classification: Benign for Amyotrophic lateral sclerosis type 8. Last evaluated: 2018-01-12. Review status: criteria provided, single submitter. Criteria: ICSL Variant Classification Criteria 13 December 2019. Collection method: clinical testing. Allele origin: germline.
Comment: the same text as in the submission from Illumina Laboratory Services, Illumina above.